The following is an entry in ClinVar:

NM_000075.4(CDK4):c.343G>C (p.Glu115Gln)

Gene: CDK4 (cyclin dependent kinase 4; minus strand). Cytogenetic location: 12q14.1.
Variant type: single nucleotide variant.
Coding change: c.343G>C on transcript NM_000075.4 (MANE Select); coding-DNA position 343, G replaced by C.
Protein change: p.Glu115Gln; replaces glutamic acid 115 with glutamine.
Molecular consequence: missense variant.
Genome position (GRCh38, 1-based): chr12:57,751,218, C>G on the plus strand (G>C on the coding strand, the complement: CDK4 is on the minus strand). VCF-style: chr12-57751218-C-G. GRCh37 (hg19) VCF-style: chr12-58145001-C-G.
Other names: short protein forms E115Q.
Identifiers: ClinVar variation 823772 (VCV000823772.12), dbSNP rs772938517, ClinGen allele CA385547518.

ClinVar aggregate classification (germline): Uncertain significance. Review status: criteria provided, multiple submitters, no conflicts (2 of 4 stars). 2 submissions from 2 submitters: Uncertain significance (2). Last evaluated 2024-10-30.

Conditions:
Familial melanoma. Also called: Hereditary melanoma; Hereditary cutaneous melanoma. Identifiers: Orphanet 618, MedGen C1512419, MONDO:0018961.
Hereditary cancer-predisposing syndrome. Also called: Neoplastic Syndromes, Hereditary; Tumor predisposition; Hereditary neoplastic syndrome; Hereditary Cancer Syndrome. Identifiers: Orphanet 140162, MedGen C0027672, MeSH D009386, MONDO:0015356.

Submissions (2):

Labcorp Genetics (formerly Invitae), Labcorp
Classification: Uncertain significance for Familial melanoma. Last evaluated: 2024-10-30. Review status: criteria provided, single submitter. Criteria: Invitae Variant Classification Sherloc (09022015). Collection method: clinical testing. Allele origin: germline.
Comment: This sequence change replaces glutamic acid, which is acidic and polar, with glutamine, which is neutral and polar, at codon 115 of the CDK4 protein (p.Glu115Gln). This variant is not present in population databases (gnomAD no frequency). This variant has not been reported in the literature in individuals affected with CDK4-related conditions. ClinVar contains an entry for this variant (Variation ID: 823772). Invitae Evidence Modeling of protein sequence and biophysical properties (such as structural, functional, and spatial information, amino acid conservation, physicochemical variation, residue mobility, and thermodynamic stability) indicates that this missense variant is not expected to disrupt CDK4 protein function with a negative predictive value of 95%. In summary, the available evidence is currently insufficient to determine the role of this variant in disease. Therefore, it has been classified as a Variant of Uncertain Significance.

Ambry Genetics
Classification: Uncertain significance for Hereditary cancer-predisposing syndrome. Last evaluated: 2018-05-23. Review status: criteria provided, single submitter. Criteria: Ambry Variant Classification Scheme 2023. Collection method: clinical testing. Allele origin: germline.
Comment: The p.E115Q variant (also known as c.343G>C), located in coding exon 2 of the CDK4 gene, results from a G to C substitution at nucleotide position 343. The glutamic acid at codon 115 is replaced by glutamine, an amino acid with highly similar properties. This amino acid position is not well conserved in available vertebrate species. In addition, this alteration is predicted to be tolerated by in silico analysis. Since supporting evidence is limited at this time, the clinical significance of this alteration remains unclear.